The following is an entry in ClinVar:

NM_003392.7(WNT5A):c.811G>C (p.Asp271His)

Gene: WNT5A (Wnt family member 5A; minus strand). Cytogenetic location: 3p14.3.
Variant type: single nucleotide variant.
Coding change: c.811G>C on transcript NM_003392.7 (MANE Select); coding-DNA position 811, G replaced by C.
Protein change: p.Asp271His; replaces aspartic acid 271 with histidine.
Molecular consequence: missense variant.
Genome position (GRCh38, 1-based): chr3:55,470,424, C>G on the plus strand (G>C on the coding strand, the complement: WNT5A is on the minus strand). VCF-style: chr3-55470424-C-G. GRCh37 (hg19) VCF-style: chr3-55504452-C-G.
Other names: c.766G>C, p.Asp256His (NM_001256105.1, NM_001377271.1, NM_001377272.1); short protein forms D256H, D271H.
Identifiers: ClinVar variation 2633451 (VCV002633451.1), dbSNP rs1359294973, ClinGen allele CA353272572.

ClinVar aggregate classification (germline): Uncertain significance (1 of 4 stars; one submission).

Conditions:
WNT5A-related disorder. Also called: WNT5A-related condition.

Submission:

PreventionGenetics, part of Exact Sciences
Classification: Uncertain significance for WNT5A-related condition. Last evaluated: 2023-04-07. Review status: criteria provided, single submitter. Criteria: ACMG Guidelines, 2015. Collection method: clinical testing. Allele origin: germline.
Comment: The WNT5A c.811G>C variant is predicted to result in the amino acid substitution p.Asp271His. To our knowledge, this variant has not been reported in the literature or in a large population database, indicating this variant is rare. At this time, the clinical significance of this variant is uncertain due to the absence of conclusive functional and genetic evidence.